The following is an entry in ClinVar:

ClinVar aggregate classification (germline): Uncertain significance (1 of 4 stars; one submission).

Allele frequency attached by ClinVar (database versions not stated): TOPMed below 0.00001; gnomAD exomes 0.00001; ExAC 0.00002.
gnomAD v4.1: 3 of 1,597,236 alleles (0.00019%); highest among the groups gnomAD compares: Admixed American, 0.0018%; no homozygotes.

Submission:

Labcorp Genetics (formerly Invitae), Labcorp
Classification: Uncertain significance. Last evaluated: 2024-10-23. Review status: criteria provided, single submitter. Criteria: Invitae Variant Classification Sherloc (09022015). Collection method: clinical testing. Allele origin: germline.
Comment: This sequence change replaces isoleucine, which is neutral and non-polar, with threonine, which is neutral and polar, at codon 629 of the GUF1 protein (p.Ile629Thr). This variant is present in population databases (rs765857799, gnomAD 0.003%). This variant has not been reported in the literature in individuals affected with GUF1-related conditions. ClinVar contains an entry for this variant (Variation ID: 1932038). An algorithm developed to predict the effect of missense changes on protein structure and function (PolyPhen-2) suggests that this variant is likely to be disruptive. In summary, the available evidence is currently insufficient to determine the role of this variant in disease. Therefore, it has been classified as a Variant of Uncertain Significance.

NM_021927.3(GUF1):c.1886T>C (p.Ile629Thr)

Gene: GUF1 (GTP binding elongation factor GUF1; plus strand). Cytogenetic location: 4p12.
Variant type: single nucleotide variant.
Coding change: c.1886T>C on transcript NM_021927.3 (MANE Select); coding-DNA position 1886, T replaced by C.
Protein change: p.Ile629Thr; replaces isoleucine 629 with threonine.
Molecular consequence: missense variant.
Genome position (GRCh38, 1-based): chr4:44,698,557, T>C. VCF-style: chr4-44698557-T-C. GRCh37 (hg19) VCF-style: chr4-44700574-T-C.
Other names: c.914T>C, p.Ile305Thr (NM_001345867.2, NM_001345869.2); c.1766T>C, p.Ile589Thr (NM_001345868.2); short protein forms I589T, I629T, I305T.
Identifiers: ClinVar variation 1932038 (VCV001932038.5), dbSNP rs765857799, ClinGen allele CA2905818.